The following is an entry in ClinVar:

ClinVar aggregate classification (germline): Uncertain significance. Review status: criteria provided, multiple submitters, no conflicts (2 of 4 stars). 4 submissions from 4 submitters: Uncertain significance (3). 1 of the submissions does not count toward it. Last evaluated 2024-11-10.

Conditions:
Inborn genetic diseases. Identifiers: MedGen C0950123, MeSH D030342.
Sphingolipid activator protein 1 deficiency. Also called: METACHROMATIC LEUKODYSTROPHY DUE TO CEREBROSIDE SULFATASE ACTIVATOR DEFICIENCY; Metachromatic leukodystrophy due to saposin B deficiency; Saposin B Deficiency. Identifiers: Orphanet 512, MedGen C0268262, MONDO:0009590, OMIM 249900.
Metachromatic leukodystrophy (MLD). Also called: METACHROMATIC LEUKOENCEPHALOPATHY; CEREBROSIDE SULFATASE DEFICIENCY; Cerebral sclerosis diffuse metachromatic form; Arylsulfatase A Deficiency; ARSA DEFICIENCY; SULFATIDE LIPIDOSIS. Identifiers: Orphanet 512, MedGen C0023522, MONDO:0018868, OMIM 250100.

Allele frequency attached by ClinVar (database versions not stated): ExAC 0.00002; gnomAD exomes 0.00002 and 0.00003; gnomAD 0.00003; TOPMed 0.00004; ESP Exome Variant Server 0.00008.
gnomAD v4.1: 45 of 1,613,964 alleles (0.0028%); highest among the groups gnomAD compares: Non-Finnish European, 0.0036%; no homozygotes.

Submissions (4):

Ambry Genetics
Classification: Uncertain significance for Inborn genetic diseases. Last evaluated: 2024-11-10. Review status: criteria provided, single submitter. Criteria: Ambry Variant Classification Scheme 2023. Collection method: clinical testing. Allele origin: germline.

Blueprint Genetics
Classification: Uncertain significance. Last evaluated: 2024-08-06. Review status: criteria provided, single submitter. Criteria: ACMG Guidelines, 2015. Collection method: clinical testing. Allele origin: germline.

Labcorp Genetics (formerly Invitae), Labcorp
Classification: Uncertain significance for Sphingolipid activator protein 1 deficiency. Last evaluated: 2022-08-09. Review status: criteria provided, single submitter. Criteria: Invitae Variant Classification Sherloc (09022015). Collection method: clinical testing. Allele origin: germline.
Comment: This sequence change replaces proline, which is neutral and non-polar, with serine, which is neutral and polar, at codon 499 of the PSAP protein (p.Pro499Ser). This variant is present in population databases (rs143773764, gnomAD 0.005%). This variant has not been reported in the literature in individuals affected with PSAP-related conditions. ClinVar contains an entry for this variant (Variation ID: 991958). Algorithms developed to predict the effect of missense changes on protein structure and function are either unavailable or do not agree on the potential impact of this missense change (SIFT: "Not Available"; PolyPhen-2: "Probably Damaging"; Align-GVGD: "Not Available"). In summary, the available evidence is currently insufficient to determine the role of this variant in disease. Therefore, it has been classified as a Variant of Uncertain Significance.

Natera, Inc.
Classification: Uncertain significance for Metachromatic leukodystrophy. Last evaluated: 2020-04-11. Review status: no assertion criteria provided. Collection method: clinical testing. Allele origin: germline. Not counted in ClinVar's aggregate classification.

NM_002778.4(PSAP):c.1495C>T (p.Pro499Ser)

Gene: PSAP (prosaposin; minus strand). Cytogenetic location: 10q22.1.
Variant type: single nucleotide variant.
Coding change: c.1495C>T on transcript NM_002778.4 (MANE Select); coding-DNA position 1495, C replaced by T.
Protein change: p.Pro499Ser; replaces proline 499 with serine.
Molecular consequence: missense variant.
Genome position (GRCh38, 1-based): chr10:71,818,661, G>A on the plus strand (C>T on the coding strand, the complement: PSAP is on the minus strand). VCF-style: chr10-71818661-G-A. GRCh37 (hg19) VCF-style: chr10-73578418-G-A.
Other names: c.1495C>T (NM_002778.2); c.1504C>T, p.Pro502Ser (NM_001042465.3); c.1501C>T, p.Pro501Ser (NM_001042466.3); short protein forms P499S, P501S, P502S.
Identifiers: ClinVar variation 991958 (VCV000991958.6), dbSNP rs143773764, ClinGen allele CA5547326.
Genomic context (GRCh38, chr10:71,818,661, plus strand): 5'-CTGCTGAGCTACTCACATTGCACTGGGCTGCTGTCTCTGTGTTCTGGCACCAGTAGCTTG[G>A]GCCCCATATACACTTCTCAGTTCCCAACAAGGGCTTATGGGCCGAGGGGCAGGCTCCAAT-3'
Protein context (NP_002769.1, residues 489-509): LLGTEKCIWG[Pro499Ser]SYWCQNTETA